The following is an entry in ClinVar:

NM_033380.3(COL4A5):c.125G>A (p.Gly42Asp)

Gene: COL4A5 (collagen type IV alpha 5 chain; plus strand). Cytogenetic location: Xq22.3.
Variant type: single nucleotide variant.
Coding change: c.125G>A on transcript NM_033380.3 (MANE Select); coding-DNA position 125, G replaced by A.
Protein change: p.Gly42Asp; replaces glycine 42 with aspartic acid.
Molecular consequence: missense variant.
Genome position (GRCh38, 1-based): chrX:108,539,789, G>A. VCF-style: chrX-108539789-G-A. GRCh37 (hg19) VCF-style: chrX-107783019-G-A.
Other names: c.125G>A, p.Gly42Asp (NM_000495.5); short protein forms G42D.
Identifiers: ClinVar variation 5003562 (VCV005003562.1).

ClinVar aggregate classification (germline): Uncertain significance (1 of 4 stars; one submission).

Conditions:
X-linked Alport syndrome (ATS1). Also called: COL4A5-Related Nephropathy; NEPHROPATHY AND DEAFNESS, X-LINKED. Identifiers: Orphanet 63, Orphanet 88917, MedGen C4746986, MONDO:0010520, OMIM 301050.

gnomAD v4.1: 2 of 1,206,930 alleles (0.00017%); highest among the groups gnomAD compares: East Asian, 0.0059%; no homozygotes.

Submission:

Myriad Genetics, Inc.
Classification: Uncertain significance for X-linked Alport syndrome. Last evaluated: 2026-04-24. Review status: criteria provided, single submitter. Criteria: Myriad Autosomal Dominant, Autosomal Recessive and X-Linked Classification Criteria (2023). Collection method: clinical testing. Allele origin: unknown.
Comment: NM_000495.4(COL4A5):c.125G>A(G42D) is a missense variant classified as a variant of uncertain significance in the context of X-linked Alport syndrome. G42D has not been observed in cases with relevant disease. Relevant functional assessments of this variant are not available in the literature. G42D has been observed in referenced population frequency databases. In summary, there is insufficient evidence to classify NM_000495.4(COL4A5):c.125G>A(G42D) as pathogenic or benign. Please note: this variant was assessed in the context of healthy population screening.